The following is an entry in ClinVar:

NM_212482.4(FN1):c.2848C>T (p.His950Tyr)

Gene: FN1 (fibronectin 1; minus strand). Cytogenetic location: 2q35.
Variant type: single nucleotide variant.
Coding change: c.2848C>T on transcript NM_212482.4 (MANE Select); coding-DNA position 2848, C replaced by T.
Protein change: p.His950Tyr; replaces histidine 950 with tyrosine.
Molecular consequence: missense variant.
Genome position (GRCh38, 1-based): chr2:215,406,376, G>A on the plus strand (C>T on the coding strand, the complement: FN1 is on the minus strand). VCF-style: chr2-215406376-G-A. GRCh37 (hg19) VCF-style: chr2-216271099-G-A.
Other names: c.2848C>T, p.His950Tyr (NM_001306129.2, NM_001306130.2, NM_001306131.2 and 13 more transcripts); short protein forms H950Y.
Identifiers: ClinVar variation 1509737 (VCV001509737.8), dbSNP rs746529288, ClinGen allele CA2094856.

ClinVar aggregate classification (germline): Uncertain significance (1 of 4 stars; one submission).

Allele frequency attached by ClinVar (database versions not stated): TOPMed below 0.00001; ExAC 0.00001; gnomAD 0.00001; gnomAD exomes 0.00001 and 0.00003.
gnomAD v4.1: 23 of 1,614,070 alleles (0.0014%); highest among the groups gnomAD compares: South Asian, 0.022%; 1 homozygote.

Submission:

Labcorp Genetics (formerly Invitae), Labcorp
Classification: Uncertain significance. Last evaluated: 2022-06-03. Review status: criteria provided, single submitter. Criteria: Invitae Variant Classification Sherloc (09022015). Collection method: clinical testing. Allele origin: germline.
Comment: This variant has not been reported in the literature in individuals affected with FN1-related conditions. This variant is present in population databases (rs746529288, gnomAD 0.03%), including at least one homozygous and/or hemizygous individual. ClinVar contains an entry for this variant (Variation ID: 1509737). Algorithms developed to predict the effect of missense changes on protein structure and function are either unavailable or do not agree on the potential impact of this missense change (SIFT: "Not Available"; PolyPhen-2: "Possibly Damaging"; Align-GVGD: "Not Available"). In summary, the available evidence is currently insufficient to determine the role of this variant in disease. Therefore, it has been classified as a Variant of Uncertain Significance. This sequence change replaces histidine, which is basic and polar, with tyrosine, which is neutral and polar, at codon 950 of the FN1 protein (p.His950Tyr).